The following is an entry in ClinVar:

NM_006506.5(RASA2):c.1934-10dup

Gene: RASA2 (RAS p21 protein activator 2; plus strand). Cytogenetic location: 3q23.
Variant type: Duplication.
Coding change: c.1934-10dup on transcript NM_006506.5 (MANE Select); 10 bases into the intron before coding-DNA position 1934, one base duplicated (T; older notation c.1934-10dupT).
Molecular consequence: intron variant.
Genome position (GRCh38, 1-based): chr3:141,607,668, T duplicated; the last of 7 consecutive T bases (chr3:141,607,662-141,607,668); duplicating any one gives the same sequence. VCF-style (leftmost placement, unchanged base first): chr3-141607661-C-CT. GRCh37 (hg19) VCF-style: chr3-141326503-C-CT.
Other names: c.1937-10dup (NM_001303245.3); c.1946-10dup (NM_001303246.3); c.1934-10dupT (NM_006506.5).
Identifiers: ClinVar variation 1677019 (VCV001677019.2), dbSNP rs1560066820, ClinGen allele CA546550571.
Genomic context (GRCh38, chr3:141,607,661, plus strand): 5'-CCTACAGAATTAACCTCTCATCTTTATAATTCTGATGGAAATTACTTTAATTTTGTTTTA[C>CT]TTTTTTTATTATTTAGGCAAAGATGCAATCTACACAATCCCAGTAAAAAACATTCTTGCT-3'

ClinVar aggregate classification (germline): Likely benign (1 of 4 stars; one submission).

Submission:

Women's Health and Genetics/Laboratory Corporation of America, LabCorp
Classification: Likely benign. Last evaluated: 2024-01-02. Review status: criteria provided, single submitter. Criteria: LabCorp Variant Classification Summary - May 2015. Collection method: clinical testing. Allele origin: germline.
Comment: Variant summary: RASA2 c.1934-10dupT alters a nucleotide located at a position not widely known to affect splicing. Consensus agreement among computation tools predict no significant impact on normal splicing. However, these predictions have yet to be confirmed by functional studies. The frequency data for this variant in gnomAD is considered unreliable, as metrics indicate poor data quality at this position. To our knowledge, no occurrence of c.1934-10dupT in individuals affected with Noonan Syndrome and no experimental evidence demonstrating its impact on protein function have been reported. No submitters have cited clinical-significance assessments for this variant to ClinVar after 2014. Based on the evidence outlined above, the variant was classified as likely benign.